The following is an entry in ClinVar:

ClinVar aggregate classification (germline): Uncertain significance (1 of 4 stars; one submission).

Conditions:
Coffin-Siris syndrome 12. Identifiers: MedGen C5444111, MONDO:0025699, OMIM 619325.

Submission:

Juno Genomics, Hangzhou Juno Genomics, Inc
Classification: Uncertain significance for Coffin-Siris syndrome 12. Review status: criteria provided, single submitter. Criteria: ACMG Guidelines, 2015. Collection method: clinical testing. Allele origin: germline.
Comment: Protein length changes due to in-frame deletions/insertions in a non-repeat region or stop-loss variants.

NM_001394372.1(BICRA):c.4322_4324dup (p.Gln1441_Arg1442insGln)

Gene: BICRA (BRD4 interacting chromatin remodeling complex associated protein; plus strand). Cytogenetic location: 19q13.33.
Variant type: Duplication.
Coding change: c.4322_4324dup on transcript NM_001394372.1 (MANE Select); coding-DNA positions 4322 to 4324, 3 bases duplicated (AGC; older notation c.4322_4324dupAGC).
Protein change: p.Gln1441_Arg1442insGln.
Molecular consequence: inframe insertion.
Genome position (GRCh38, 1-based): chr19:47,702,054-47,702,056, AGC duplicated; duplicating any 3 consecutive bases within chr19:47,702,053-47,702,056 gives the same sequence; the c. name uses the placement nearest the transcript's 3' end. VCF-style (leftmost placement, unchanged base first): chr19-47702052-C-CCAG. GRCh37 (hg19) VCF-style: chr19-48205309-C-CCAG.
Other names: c.4322_4324dup, p.Gln1441_Arg1442insGln (NM_015711.3).
Identifiers: ClinVar variation 5019761 (VCV005019761.2).
Genomic context (GRCh38, chr19:47,702,052, plus strand): 5'-AGTGGACGAGGCCACCAGCGGGCTCATCCGCGAGCTGGCGGCCGTGGAGGACGAGCTGTA[C>CCAG]CAGCGTATGCTGAAGGGCCCCCCGCCAGAGCCCGCAGCCAGCGCCGCCCAAGGCACCGGG-3'